The following is an entry in ClinVar:

ClinVar aggregate classification (germline): Conflicting classifications of pathogenicity. Review status: criteria provided, conflicting classifications (1 of 4 stars). 2 submissions from 2 submitters: Pathogenic (1); Uncertain significance (1). Last evaluated 2024-11-29.

Submissions (2):

Women's Health and Genetics/Laboratory Corporation of America, LabCorp
Classification: Uncertain significance. Last evaluated: 2024-11-29. Review status: criteria provided, single submitter. Criteria: LabCorp Variant Classification Summary - May 2015. Collection method: clinical testing. Allele origin: germline.
Comment: Variant summary: NOTCH3 c.244T>G (p.Cys82Gly) results in a non-conservative amino acid change located in the EGF-like domain (IPR000742) of the encoded protein sequence. Four of five in-silico tools predict a damaging effect of the variant on protein function. The variant was absent in 236606 control chromosomes (gnomAD). The available data on variant occurrences in the general population are insufficient to allow any conclusion about variant significance. To our knowledge, no occurrence of c.244T>G in individuals affected with Cerebral arteriopathy, autosomal dominant, with subcortical infarcts and leukoencephalopathy, type 1 and no experimental evidence demonstrating its impact on protein function have been reported. ClinVar contains an entry for this variant (Variation ID: 995045). Based on the evidence outlined above, the variant was classified as uncertain significance.

Athena Diagnostics
Classification: Pathogenic. Last evaluated: 2021-08-18. Review status: criteria provided, single submitter. Criteria: Athena Diagnostics Criteria. Collection method: clinical testing. Allele origin: unknown.
Comment: This variant has not been reported in large, multi-ethnic general populations. This variant has been identified in at least one individual tested at Athena Diagnostics with clinical features associated with this gene. At least one other missense variant at this codon is considered to be pathogenic or likely pathogenic, suggesting this variant may also cause disease. This variant alters a critical location within the protein, and is expected to severely affect function and cause disease. Greater than 90% of pathogenic variants identified in NOTCH3 involve the gain or loss of a cysteine residue within the epidermal growth factor (EGF)-like repeat domain.

NM_000435.3(NOTCH3):c.244T>G (p.Cys82Gly)

Gene: NOTCH3 (notch receptor 3; minus strand). Cytogenetic location: 19p13.12.
Variant type: single nucleotide variant.
Coding change: c.244T>G on transcript NM_000435.3 (MANE Select); coding-DNA position 244, T replaced by G.
Protein change: p.Cys82Gly; replaces cysteine 82 with glycine.
Molecular consequence: missense variant.
Genome position (GRCh38, 1-based): chr19:15,192,473, A>C on the plus strand (T>G on the coding strand, the complement: NOTCH3 is on the minus strand). VCF-style: chr19-15192473-A-C. GRCh37 (hg19) VCF-style: chr19-15303284-A-C.
Other names: short protein forms C82G.
Identifiers: ClinVar variation 995045 (VCV000995045.4), dbSNP rs2046937845, ClinGen allele CA404535083.
Genomic context (GRCh38, chr19:15,192,473, plus strand): 5'-CGGTGCCAGCCACCACTGAACTCTGGCAGACACCACGGCCAGCACAGGGGCCTGAGTGAC[A>C]GGGGTCCTCCAGCTGACACCGCTCACCCACCCAGCCAGGCGGGCACCTGTGGGCAGAGAT-3'
Protein context (NP_000426.2, residues 72-92): VGERCQLEDP[Cys82Gly]HSGPCAGRGV